The following is an entry in ClinVar:

NM_022765.4(MICAL1):c.1603T>G (p.Ser535Ala)

Gene: MICAL1 (microtubule associated monooxygenase, calponin and LIM domain containing 1; minus strand). Cytogenetic location: 6q21.
Variant type: single nucleotide variant.
Coding change: c.1603T>G on transcript NM_022765.4 (MANE Select); coding-DNA position 1603, T replaced by G.
Protein change: p.Ser535Ala; replaces serine 535 with alanine.
Molecular consequence: missense variant.
Genome position (GRCh38, 1-based): chr6:109,448,793, A>C on the plus strand (T>G on the coding strand, the complement: MICAL1 is on the minus strand). VCF-style: chr6-109448793-A-C. GRCh37 (hg19) VCF-style: chr6-109769996-A-C.
Other names: c.1345T>G, p.Ser449Ala (NM_001159291.2); c.1660T>G, p.Ser554Ala (NM_001286613.2); short protein forms S535A, S449A, S554A.
Identifiers: ClinVar variation 2181914 (VCV002181914.4), dbSNP rs555748622, ClinGen allele CA3953285.

ClinVar aggregate classification (germline): Uncertain significance (1 of 4 stars; one submission).

Allele frequency attached by ClinVar (database versions not stated): gnomAD exomes below 0.00001; gnomAD 0.00001; TOPMed 0.00001; ExAC 0.00002; 1000 Genomes Project 30x 0.00031; 1000 Genomes Project 0.00040.

Submission:

Labcorp Genetics (formerly Invitae), Labcorp
Classification: Uncertain significance. Last evaluated: 2025-09-12. Review status: criteria provided, single submitter. Criteria: Invitae Variant Classification Sherloc (09022015). Collection method: clinical testing. Allele origin: germline.
Comment: This sequence change replaces serine, which is neutral and polar, with alanine, which is neutral and non-polar, at codon 554 of the MICAL1 protein (p.Ser554Ala). This variant is present in population databases (rs555748622, gnomAD 0.009%). This variant has not been reported in the literature in individuals affected with MICAL1-related conditions. ClinVar contains an entry for this variant (Variation ID: 2181914). An algorithm developed to predict the effect of missense changes on protein structure and function (PolyPhen-2) suggests that this variant is likely to be disruptive. In summary, the available evidence is currently insufficient to determine the role of this variant in disease. Therefore, it has been classified as a Variant of Uncertain Significance.